The following is an entry in ClinVar:

ClinVar aggregate classification (germline): Uncertain significance. Review status: criteria provided, multiple submitters, no conflicts (2 of 4 stars). 2 submissions from 2 submitters: Uncertain significance (2). Last evaluated 2025-10-23.

Conditions:
Gastrointestinal stromal tumor. Also called: Gastrointestinal stroma tumor; Gastrointestinal stromal tumor, somatic. Identifiers: Orphanet 44890, MedGen C0238198, MeSH D046152, MONDO:0011719, OMIM 606764, HP:0100723.
Hereditary cancer-predisposing syndrome. Also called: Tumor predisposition; Hereditary Cancer Syndrome; Hereditary neoplastic syndrome; Neoplastic Syndromes, Hereditary. Identifiers: Orphanet 140162, MedGen C0027672, MeSH D009386, MONDO:0015356.

Allele frequency attached by ClinVar (database versions not stated): gnomAD exomes below 0.00001 and 0.00001; ExAC 0.00001.
gnomAD v4.1: 2 of 1,614,158 alleles (0.00012%); highest among the groups gnomAD compares: East Asian, 0.0045%; no homozygotes.

Submissions (2):

Labcorp Genetics (formerly Invitae), Labcorp
Classification: Uncertain significance for Gastrointestinal stromal tumor. Last evaluated: 2025-10-23. Review status: criteria provided, single submitter. Criteria: Invitae Variant Classification Sherloc (09022015). Collection method: clinical testing. Allele origin: germline.
Comment: This sequence change replaces valine, which is neutral and non-polar, with alanine, which is neutral and non-polar, at codon 852 of the KIT protein (p.Val852Ala). This variant is present in population databases (rs780998847, gnomAD 0.01%). This variant has not been reported in the literature in individuals affected with KIT-related conditions. ClinVar contains an entry for this variant (Variation ID: 1430082). An algorithm developed to predict the effect of missense changes on protein structure and function (PolyPhen-2) suggests that this variant is likely to be disruptive. In summary, the available evidence is currently insufficient to determine the role of this variant in disease. Therefore, it has been classified as a Variant of Uncertain Significance.

Ambry Genetics
Classification: Uncertain significance for Hereditary cancer-predisposing syndrome. Last evaluated: 2025-03-14. Review status: criteria provided, single submitter. Criteria: Ambry Variant Classification Scheme 2023. Collection method: clinical testing. Allele origin: germline.
Comment: The p.V852A variant (also known as c.2555T>C), located in coding exon 18 of the KIT gene, results from a T to C substitution at nucleotide position 2555. The valine at codon 852 is replaced by alanine, an amino acid with similar properties. This amino acid position is highly conserved in available vertebrate species. In addition, this alteration is predicted to be deleterious by in silico analysis. Based on the available evidence, the clinical significance of this variant remains unclear.

NM_000222.3(KIT):c.2555T>C (p.Val852Ala)

Gene: KIT (KIT proto-oncogene, receptor tyrosine kinase; plus strand). Cytogenetic location: 4q12.
Variant type: single nucleotide variant.
Coding change: c.2555T>C on transcript NM_000222.3 (MANE Select); coding-DNA position 2555, T replaced by C.
Protein change: p.Val852Ala; replaces valine 852 with alanine.
Molecular consequence: missense variant.
Genome position (GRCh38, 1-based): chr4:54,736,568, T>C. VCF-style: chr4-54736568-T-C. GRCh37 (hg19) VCF-style: chr4-55602734-T-C.
Other names: c.2543T>C, p.Val848Ala (NM_001093772.2, NM_001385292.1); c.2558T>C, p.Val853Ala (NM_001385284.1); c.2552T>C, p.Val851Ala (NM_001385285.1); c.2540T>C, p.Val847Ala (NM_001385286.1); c.2546T>C, p.Val849Ala (NM_001385288.1); c.2555T>C, p.Val852Ala (NM_001385290.1); c.2555T>C (NM_000222.2); short protein forms V848A, V849A, V851A, V853A, V847A, V852A.
Identifiers: ClinVar variation 1430082 (VCV001430082.7), dbSNP rs780998847, ClinGen allele CA2923792.